The following is an entry in ClinVar:

ClinVar aggregate classification (germline): Benign/Likely benign. Review status: criteria provided, multiple submitters, no conflicts (2 of 4 stars). 4 submissions from 4 submitters: Benign (3); Likely benign (1). Last evaluated 2026-02-04.

Submissions (4):

Labcorp Genetics (formerly Invitae), Labcorp
Classification: Benign. Last evaluated: 2026-02-04. Review status: criteria provided, single submitter. Criteria: Invitae Variant Classification Sherloc (09022015). Collection method: clinical testing. Allele origin: germline.

Blueprint Genetics
Classification: Likely benign. Last evaluated: 2024-11-27. Review status: criteria provided, single submitter. Criteria: ACMG Guidelines, 2015. Collection method: clinical testing. Allele origin: germline.

Women's Health and Genetics/Laboratory Corporation of America, LabCorp
Classification: Benign. Last evaluated: 2020-05-25. Review status: criteria provided, single submitter. Criteria: LabCorp Variant Classification Summary - May 2015. Collection method: clinical testing. Allele origin: germline.
Comment: Variant summary: PCDH15 c.3502-14delT alters a non-conserved nucleotide located close to a canonical splice site and therefore could affect mRNA splicing, leading to a significantly altered protein sequence. 4/4 computational tools predict no significant impact on normal splicing. However, these predictions have yet to be confirmed by functional studies. The variant allele was found at a frequency of 0.0019 in 232130 control chromosomes, predominantly at a frequency of 0.0087 within the African or African-American subpopulation in the gnomAD database. The observed variant frequency within African or African-American control individuals in the gnomAD database is approximately 2.8 fold of the estimated maximal expected allele frequency for a pathogenic variant in PCDH15 causing Usher Syndrome Type 1F phenotype (0.0032), strongly suggesting that the variant is a benign polymorphism found primarily in populations of African or African-American origin. To our knowledge, no occurrence of c.3502-14delT in individuals affected with Usher Syndrome Type 1F and no experimental evidence demonstrating its impact on protein function have been reported. No clinical diagnostic laboratories have submitted clinical-significance assessments for this variant to ClinVar after 2014. Based on the evidence outlined above, the variant was classified as benign.

Laboratory for Molecular Medicine, Mass General Brigham Personalized Medicine
Classification: Benign. Last evaluated: 2014-04-28. Review status: criteria provided, single submitter. Criteria: LMM Criteria. Collection method: clinical testing. Allele origin: germline. Observed: 2 variant alleles.
Comment: 3502-14delT in intron 26 of PCDH15: This variant is not expected to have clinic al significance because it is not predicted to alter splicing and has been ident ified in 0.6% (46/8254) European American chromosomes and in 1.2% (53/4264) Afri can American chromosomes by the NHLBI Exome Sequencing Project (dbSNP rs5785023).

NM_001384140.1(PCDH15):c.3502-14del

Gene: PCDH15 (protocadherin related 15; minus strand). Cytogenetic location: 10q21.1.
Variant type: Deletion.
Coding change: c.3502-14del on transcript NM_001384140.1 (MANE Select); 14 bases into the intron before coding-DNA position 3502, one base deleted (T; older notation c.3502-14delT).
Molecular consequence: intron variant.
Genome position (GRCh38, 1-based): chr10:53,866,871, A deleted on the plus strand (T on the coding strand, the reverse complement: PCDH15 is on the minus strand); the first of 9 consecutive A bases (chr10:53,866,871-53,866,879); deleting any one gives the same sequence. VCF-style (leftmost placement, unchanged base first): chr10-53866870-GA-G. GRCh37 (hg19) VCF-style: chr10-55626630-GA-G.
Other names: c.3502-14del (NM_001354420.2, NM_001354429.2, NM_001142772.2 and 4 more transcripts); c.3517-14del (NM_001142771.2, NM_001142763.2); c.3523-14del (NM_001354411.2); c.3538-14del (NM_001142769.3); c.3436-14del (NM_001354404.2, NM_001142773.2, NM_001142768.2); c.3391-14del (NM_001142767.2); c.3289-14del (NM_001142765.2).
Identifiers: ClinVar variation 179543 (VCV000179543.15), dbSNP rs5785023, ClinGen allele CA184633.